The following is an entry in ClinVar:

ClinVar aggregate classification (germline): Uncertain significance (1 of 4 stars; one submission).

Conditions:
Cardiovascular phenotype. Identifiers: MedGen CN230736.

Submission:

Ambry Genetics
Classification: Uncertain significance for Cardiovascular phenotype. Last evaluated: 2025-05-05. Review status: criteria provided, single submitter. Criteria: Ambry Variant Classification Scheme 2023. Collection method: clinical testing. Allele origin: germline.
Comment: The p.P168S variant (also known as c.502C>T), located in coding exon 1 of the ALPK3 gene, results from a C to T substitution at nucleotide position 502. The proline at codon 168 is replaced by serine, an amino acid with similar properties. This amino acid position is conserved. In addition, this alteration is predicted to be tolerated by in silico analysis. Based on the available evidence, the clinical significance of this variant remains unclear.

NM_020778.4(ALPK3):c.502C>T (p.Pro168Ser)

Gene: ALPK3 (alpha kinase 3; plus strand). Cytogenetic location: 15q25.3.
Variant type: single nucleotide variant.
Coding change: c.502C>T on transcript NM_020778.4; coding-DNA position 502, C replaced by T.
Protein change: p.Pro168Ser; replaces proline 168 with serine.
Genome position (GRCh38, 1-based): chr15:84,817,348, C>T. VCF-style: chr15-84817348-C-T. GRCh37 (hg19) VCF-style: chr15-85360579-C-T.
Other names: short protein forms P168S.
Identifiers: ClinVar variation 4044752 (VCV004044752.1).